The following is an entry in ClinVar:

NM_014053.4(FLVCR1):c.715G>C (p.Ala239Pro)

Gene: FLVCR1 (FLVCR choline and heme transporter 1; plus strand). Cytogenetic location: 1q32.3.
Variant type: single nucleotide variant.
Coding change: c.715G>C on transcript NM_014053.4 (MANE Select); coding-DNA position 715, G replaced by C.
Protein change: p.Ala239Pro; replaces alanine 239 with proline.
Molecular consequence: missense variant.
Genome position (GRCh38, 1-based): chr1:212,859,167, G>C. VCF-style: chr1-212859167-G-C. GRCh37 (hg19) VCF-style: chr1-213032509-G-C.
Other names: short protein forms A239P.
Identifiers: ClinVar variation 1899441 (VCV001899441.6), dbSNP rs756282048, ClinGen allele CA1385932.

ClinVar aggregate classification (germline): Uncertain significance. Review status: criteria provided, multiple submitters, no conflicts (2 of 4 stars). 2 submissions from 2 submitters: Uncertain significance (2). Last evaluated 2022-10-04.

Conditions:
Inborn genetic diseases. Identifiers: MedGen C0950123, MeSH D030342.

Allele frequency attached by ClinVar (database versions not stated): gnomAD 0.00001; gnomAD exomes 0.00001; ExAC 0.00002; TOPMed 0.00002.
gnomAD v4.1: 9 of 1,613,884 alleles (0.00056%); highest among the groups gnomAD compares: South Asian, 0.0022%; no homozygotes.

Submissions (2):

Ambry Genetics
Classification: Uncertain significance for Inborn genetic diseases. Last evaluated: 2022-10-04. Review status: criteria provided, single submitter. Criteria: Ambry Variant Classification Scheme 2023. Collection method: clinical testing. Allele origin: germline.

Labcorp Genetics (formerly Invitae), Labcorp
Classification: Uncertain significance. Last evaluated: 2022-02-11. Review status: criteria provided, single submitter. Criteria: Invitae Variant Classification Sherloc (09022015). Collection method: clinical testing. Allele origin: germline.
Comment: In summary, the available evidence is currently insufficient to determine the role of this variant in disease. Therefore, it has been classified as a Variant of Uncertain Significance. Algorithms developed to predict the effect of missense changes on protein structure and function are either unavailable or do not agree on the potential impact of this missense change (SIFT: "Deleterious"; PolyPhen-2: "Probably Damaging"; Align-GVGD: "Class C0"). This variant has not been reported in the literature in individuals affected with FLVCR1-related conditions. This variant is present in population databases (rs756282048, gnomAD 0.006%). This sequence change replaces alanine, which is neutral and non-polar, with proline, which is neutral and non-polar, at codon 239 of the FLVCR1 protein (p.Ala239Pro).